The following is an entry in ClinVar:

NM_022455.5(NSD1):c.4412G>A (p.Arg1471Gln)

Gene: NSD1 (nuclear receptor binding SET domain protein 1; plus strand). Cytogenetic location: 5q35.3.
Variant type: single nucleotide variant.
Coding change: c.4412G>A on transcript NM_022455.5 (MANE Select); coding-DNA position 4412, G replaced by A.
Protein change: p.Arg1471Gln; replaces arginine 1471 with glutamine.
Molecular consequence: missense variant.
Genome position (GRCh38, 1-based): chr5:177,246,711, G>A. VCF-style: chr5-177246711-G-A. GRCh37 (hg19) VCF-style: chr5-176673712-G-A.
Other names: c.3539G>A, p.Arg1180Gln (NM_001365684.2, NM_001409306.1, NM_001409307.1 and 3 more transcripts); c.4412G>A, p.Arg1471Gln (NM_001409301.1, NM_001409302.1, NM_001409303.1); c.3992G>A, p.Arg1331Gln (NM_001409304.1); c.3659G>A, p.Arg1220Gln (NM_001409305.1); short protein forms R1180Q, R1220Q, R1331Q, R1471Q.
Identifiers: ClinVar variation 3768719 (VCV003768719.1).

ClinVar aggregate classification (germline): Uncertain significance (1 of 4 stars; one submission).

gnomAD v4.1: 16 of 1,613,840 alleles (0.00099%); highest among the groups gnomAD compares: East Asian, 0.013%; no homozygotes.

Submission:

Women's Health and Genetics/Laboratory Corporation of America, LabCorp
Classification: Uncertain significance. Last evaluated: 2025-02-25. Review status: criteria provided, single submitter. Criteria: LabCorp Variant Classification Summary - May 2015. Collection method: clinical testing. Allele origin: germline.
Comment: Variant summary: NSD1 c.4412G>A (p.Arg1471Gln) results in a conservative amino acid change in the encoded protein sequence. Four of five in-silico tools predict a damaging effect of the variant on protein function. The variant allele was found at a frequency of 1.6e-05 in 251466 control chromosomes. The available data on variant occurrences in the general population are insufficient to allow any conclusion about variant significance. To our knowledge, no occurrence of c.4412G>A in individuals affected with Sotos Syndrome and no experimental evidence demonstrating its impact on protein function have been reported. No submitters have cited clinical-significance assessments for this variant to ClinVar. Based on the evidence outlined above, the variant was classified as uncertain significance.